The following is an entry in ClinVar:

NM_198503.5(KCNT2):c.2491T>C (p.Ser831Pro)

Gene: KCNT2 (potassium sodium-activated channel subfamily T member 2; minus strand). Cytogenetic location: 1q31.3.
Variant type: single nucleotide variant.
Coding change: c.2491T>C on transcript NM_198503.5 (MANE Select); coding-DNA position 2491, T replaced by C.
Protein change: p.Ser831Pro; replaces serine 831 with proline.
Molecular consequence: missense variant. On other transcripts: non-coding transcript variant (2).
Genome position (GRCh38, 1-based): chr1:196,305,338, A>G on the plus strand (T>C on the coding strand, the complement: KCNT2 is on the minus strand). VCF-style: chr1-196305338-A-G. GRCh37 (hg19) VCF-style: chr1-196274468-A-G.
Other names: c.2419T>C, p.Ser807Pro (NM_001287819.3); c.2269T>C, p.Ser757Pro (NM_001287820.3); short protein forms S757P, S807P, S831P.
Identifiers: ClinVar variation 4537118 (VCV004537118.1).

ClinVar aggregate classification (germline): Uncertain significance (1 of 4 stars; one submission).

Submission:

Women's Health and Genetics/Laboratory Corporation of America, LabCorp
Classification: Uncertain significance. Last evaluated: 2025-11-03. Review status: criteria provided, single submitter. Criteria: LabCorp Variant Classification Summary - May 2015. Collection method: clinical testing. Allele origin: germline.
Comment: Variant summary: KCNT2 c.2491T>C (p.Ser831Pro) results in a non-conservative amino acid change in the encoded protein sequence. Algorithms developed to predict the effect of missense changes on protein structure and function are either unavailable or do not agree on the potential impact of this missense change. The variant was absent in 249292 control chromosomes. The available data on variant occurrences in the general population are insufficient to allow any conclusion about variant significance. To our knowledge, no occurrence of c.2491T>C in individuals affected with KCNT2-related conditions and no experimental evidence demonstrating its impact on protein function have been reported. No submitters have cited clinical-significance assessments for this variant to ClinVar. Based on the evidence outlined above, the variant was classified as uncertain significance.